The following is an entry in ClinVar:

NM_001451.3(FOXF1):c.182T>C (p.Ile61Thr)

Gene: FOXF1 (forkhead box F1; plus strand). Cytogenetic location: 16q24.1.
Variant type: single nucleotide variant.
Coding change: c.182T>C on transcript NM_001451.3 (MANE Select); coding-DNA position 182, T replaced by C.
Protein change: p.Ile61Thr; replaces isoleucine 61 with threonine.
Molecular consequence: missense variant.
Genome position (GRCh38, 1-based): chr16:86,510,751, T>C. VCF-style: chr16-86510751-T-C. GRCh37 (hg19) VCF-style: chr16-86544357-T-C.
Other names: short protein forms I61T.
Identifiers: ClinVar variation 2630000 (VCV002630000.1), dbSNP rs2507450352, ClinGen allele CA397005411.
Genomic context (GRCh38, chr16:86,510,751, plus strand): 5'-CCGGCATCCGGCGCCCGGAGAAGCCGCCCTATTCCTACATCGCGCTCATCGTCATGGCCA[T>C]CCAGAGTTCACCCACCAAGCGCCTGACGCTGAGCGAGATCTACCAGTTCCTGCAGAGCCG-3'
Protein context (NP_001442.2, residues 51-71): YSYIALIVMA[Ile61Thr]QSSPTKRLTL

ClinVar aggregate classification (germline): Uncertain significance (1 of 4 stars; one submission).

Conditions:
FOXF1-related disorder. Also called: FOXF1-related condition.

Submission:

PreventionGenetics, part of Exact Sciences
Classification: Uncertain significance for FOXF1-related condition. Last evaluated: 2023-01-05. Review status: criteria provided, single submitter. Criteria: ACMG Guidelines, 2015. Collection method: clinical testing. Allele origin: germline.
Comment: The FOXF1 c.182T>C variant is predicted to result in the amino acid substitution p.Ile61Thr. To our knowledge, this variant has not been reported in the literature or in a large population database, indicating this variant is rare. At this time, the clinical significance of this variant is uncertain due to the absence of conclusive functional and genetic evidence.